The following is an entry in ClinVar:

NM_004525.3(LRP2):c.3333C>T (p.Asp1111=)

Gene: LRP2 (LDL receptor related protein 2; minus strand). Cytogenetic location: 2q31.1.
Variant type: single nucleotide variant.
Coding change: c.3333C>T on transcript NM_004525.3 (MANE Select); coding-DNA position 3333, C replaced by T.
Protein change: p.Asp1111=; no amino-acid change (aspartic acid 1111 retained).
Molecular consequence: synonymous variant.
Genome position (GRCh38, 1-based): chr2:169,244,790, G>A on the plus strand (C>T on the coding strand, the complement: LRP2 is on the minus strand). VCF-style: chr2-169244790-G-A. GRCh37 (hg19) VCF-style: chr2-170101300-G-A.
Other names: c.3333C>T (NM_004525.2).
Identifiers: ClinVar variation 1577819 (VCV001577819.12), dbSNP rs372322747, ClinGen allele CA1955057.

ClinVar aggregate classification (germline): Likely benign. Review status: criteria provided, multiple submitters, no conflicts (2 of 4 stars). 4 submissions from 4 submitters: Likely benign (3). 1 of the submissions does not count toward it. Last evaluated 2026-02-04.

Conditions:
Donnai-Barrow syndrome. Also called: DBS/FOAR SYNDROME; FACIOOCULOACOUSTICORENAL SYNDROME. Identifiers: Orphanet 2143, MedGen C1857277, MONDO:0009104, OMIM 222448.
LRP2-related disorder. Also called: LRP2-related condition.

Allele frequency attached by ClinVar (database versions not stated): TOPMed 0.00002; gnomAD 0.00008 and 0.00013; gnomAD exomes 0.00014 and 0.00027; ESP Exome Variant Server 0.00015; 1000 Genomes Project 0.00020; ExAC 0.00026; 1000 Genomes Project 30x 0.00031.
gnomAD v4.1: 221 of 1,614,254 alleles (0.014%); highest among the groups gnomAD compares: South Asian, 0.15%; no homozygotes.

Submissions (4):

Labcorp Genetics (formerly Invitae), Labcorp
Classification: Likely benign. Last evaluated: 2026-02-04. Review status: criteria provided, single submitter. Criteria: Invitae Variant Classification Sherloc (09022015). Collection method: clinical testing. Allele origin: germline.

Blueprint Genetics
Classification: Likely benign. Last evaluated: 2023-11-30. Review status: criteria provided, single submitter. Criteria: ACMG Guidelines, 2015. Collection method: clinical testing. Allele origin: germline.

Fulgent Genetics
Classification: Likely benign for Donnai-Barrow syndrome. Last evaluated: 2022-01-17. Review status: criteria provided, single submitter. Criteria: ACMG Guidelines, 2015. Collection method: clinical testing. Allele origin: unknown.

PreventionGenetics, part of Exact Sciences
Classification: Likely benign for LRP2-related condition. Last evaluated: 2019-04-09. Review status: no assertion criteria provided. Collection method: clinical testing. Allele origin: germline. Not counted in ClinVar's aggregate classification.
Comment: This variant is classified as likely benign based on ACMG/AMP sequence variant interpretation guidelines (Richards et al. 2015 PMID: 25741868, with internal and published modifications).